The following is an entry in ClinVar:

ClinVar aggregate classification (germline): Uncertain significance (1 of 4 stars; one submission).

Conditions:
Primary dilated cardiomyopathy (DCM). Also called: Dilated Cardiomyopathy. Identifiers: Orphanet 217604, MedGen C0007193, MeSH D002311, MONDO:0005021, HP:0001644. Inheritance: Various modes of inheritance.

Allele frequency attached by ClinVar (database versions not stated): gnomAD exomes below 0.00001.
gnomAD v4.1: 3 of 1,436,250 alleles (0.00021%); highest among the groups gnomAD compares: Non-Finnish European, 0.00029%; no homozygotes.

Submission:

Cardiovascular Biomedical Research Unit, Royal Brompton & Harefield NHS Foundation Trust
Classification: Uncertain significance for Primary dilated cardiomyopathy. Last evaluated: 2014-10-08. Review status: criteria provided, single submitter. Criteria: Roberts et al. 2015. Collection method: research. Allele origin: germline. Inheritance: Autosomal dominant inheritance. Affected: no. Observed: 1 variant allele. Study: Healthy Volunteers.
Comment: In the seven cohorts assessed, TTNtv were found in 14% of ambulant DCM, 22% end-stage or familial DCM, and 2% controls. Heterozygous nonsense, frameshift and canonical splice-disrupting variants found in constitutive and other highly utilised exons are highly likely to be pathogenic when identified in individuals with phenotypically confirmed DCM. TTNtv found incidentally in healthy individuals (excluding familial assessment of DCM relatives) are thought to have low penetrance, particularly when identified in exons that are not constitutively expressed in the heart.

NM_001267550.2(TTN):c.32095+5G>A

Gene: TTN (titin; minus strand). Cytogenetic location: 2q31.2.
Variant type: single nucleotide variant.
Coding change: c.32095+5G>A on transcript NM_001267550.2 (MANE Select); 5 bases into the intron after coding-DNA position 32095, G replaced by A.
Molecular consequence: intron variant.
Genome position (GRCh38, 1-based): chr2:178,689,048, C>T on the plus strand (G>A on the coding strand, the complement: TTN is on the minus strand). VCF-style: chr2-178689048-C-T. GRCh37 (hg19) VCF-style: chr2-179553775-C-T.
Other names: c.13283-46731G>A (NM_003319.4); c.13859-46731G>A (NM_133437.4); c.13658-46731G>A (NM_133432.3); c.28363+5G>A (NM_133378.4); c.31144+5G>A (NM_001256850.1); c.32095+5G>A (LRG_391t1).
Identifiers: ClinVar variation 223335 (VCV000223335.1), dbSNP rs869312090, ClinGen allele CA353309.
Genomic context (GRCh38, chr2:178,689,048, plus strand): 5'-TTAACACACTCGAAGATTTTTTTTTTTTTTTTTTTTTTTTGTCAGAGGATTGAGGCAAAT[C>T]CTACCTCGGGGAGGAGGAGCTTTCTTAGCGACAGGAACTGGCACTGCAACTTTCTCCTCT-3'